The following is an entry in ClinVar:

NM_000297.4(PKD2):c.2508C>G (p.Tyr836Ter)

Gene: PKD2 (polycystin 2, transient receptor potential cation channel; plus strand). Cytogenetic location: 4q22.1.
Variant type: single nucleotide variant.
Coding change: c.2508C>G on transcript NM_000297.4 (MANE Select); coding-DNA position 2508, C replaced by G.
Protein change: p.Tyr836Ter; replaces tyrosine 836 with a stop codon.
Molecular consequence: nonsense. On other transcripts: non-coding transcript variant (1).
Genome position (GRCh38, 1-based): chr4:88,068,047, C>G. VCF-style: chr4-88068047-C-G. GRCh37 (hg19) VCF-style: chr4-88989199-C-G.
Other names: c.2508C>G (NM_000297.3); short protein forms Y836*.
Identifiers: ClinVar variation 1255684 (VCV001255684.7), dbSNP rs757682666, ClinGen allele CA357627139.

ClinVar aggregate classification (germline): Pathogenic. Review status: criteria provided, multiple submitters, no conflicts (2 of 4 stars). 5 submissions from 5 submitters: Pathogenic (3). 2 of the submissions do not count toward it. Last evaluated 2026-02-10.

Conditions:
Inborn genetic diseases. Identifiers: MedGen C0950123, MeSH D030342.
Autosomal dominant polycystic kidney disease. Identifiers: Orphanet 730, MedGen C0085413, MONDO:0004691.
PKD2-related disorder. Also called: PKD2-related condition.
Polycystic kidney disease 2 (PKD2). Also called: POLYCYSTIC KIDNEY DISEASE, ADULT, TYPE II; Polycystic Kidney Disease 2, Autosomal Dominant; POLYCYSTIC KIDNEY DISEASE 2 WITH OR WITHOUT POLYCYSTIC LIVER DISEASE. Identifiers: MedGen C2751306, MONDO:0013131, OMIM 613095.

gnomAD v4.1: 1 of 1,614,004 alleles (0.000062%); highest among the groups gnomAD compares: Non-Finnish European, 0.000085%; no homozygotes.

Submissions (5):

Ambry Genetics
Classification: Pathogenic for Inborn genetic diseases. Last evaluated: 2026-02-10. Review status: criteria provided, single submitter. Criteria: Ambry Variant Classification Scheme 2023. Collection method: clinical testing. Allele origin: germline.
Comment: The c.2508C>G (p.Y836*) alteration, located in exon 13 (coding exon 13) of the PKD2 gene, consists of a C to G substitution at nucleotide position 2508. This changes the amino acid from a tyrosine (Y) to a stop codon at amino acid position 836. This variant is expected to result in loss of function by premature protein truncation or nonsense-mediated mRNA decay. Based on data from gnomAD, the G allele has an overall frequency of <0.001% (1/251350) total alleles studied. The highest observed frequency was 0.001% (1/113658) of European (non-Finnish) alleles. This variant was reported in individual(s) with features consistent with PKD2-related polycystic kidney disease (Audr&eacute;zet, 2012; Rossetti, 2012). Based on the available evidence, this alteration is classified as pathogenic.

Fulgent Genetics
Classification: Pathogenic for Polycystic kidney disease 2. Last evaluated: 2024-03-26. Review status: criteria provided, single submitter. Criteria: ACMG Guidelines, 2015. Collection method: clinical testing. Allele origin: germline.

Blueprint Genetics
Classification: Pathogenic for PKD2-related disorders. Last evaluated: 2020-01-09. Review status: criteria provided, single submitter. Criteria: ACMG Guidelines, 2015. Collection method: clinical testing. Allele origin: germline. Affected: yes. Observed: 1 variant allele.

PreventionGenetics, part of Exact Sciences
Classification: Pathogenic for PKD2-related condition. Last evaluated: 2024-02-14. Review status: no assertion criteria provided. Collection method: clinical testing. Allele origin: germline. Not counted in ClinVar's aggregate classification.
Comment: The PKD2 c.2508C>G variant is predicted to result in premature protein termination (p.Tyr836*). This variant was reported in an individual with autosomal dominant polycystic kidney disease (ADPKD) (Table 2, Rossetti et al. 2012. PubMed ID: 22383692). This variant is reported in 0.00088% of alleles in individuals of European (Non-Finnish) descent in gnomAD, indicating it is rare. Nonsense variants in PKD2 are expected to be pathogenic. This variant is interpreted as pathogenic.

Laboratory of Gastroenterology and Hepatology, Radboud University Medical Center
Classification: Pathogenic for Autosomal dominant polycystic kidney disease. Last evaluated: 2021-09-01. Review status: no assertion criteria provided. Collection method: research. Allele origin: germline. Affected: yes. Not counted in ClinVar's aggregate classification.

Literature cited by the submitters: PubMed 22383692 (cited by Ambry Genetics); PubMed 22508176 (cited by Ambry Genetics).